The following is an entry in ClinVar:

ClinVar aggregate classification (germline): Uncertain significance (1 of 4 stars; one submission).

gnomAD v4.1: 35 of 1,612,584 alleles (0.0022%); highest among the groups gnomAD compares: Non-Finnish European, 0.0027%; no homozygotes.

Submission:

GeneDx
Classification: Uncertain significance. Last evaluated: 2026-07-21. Review status: criteria provided, single submitter. Criteria: GeneDx Variant Classification Process June 2021. Collection method: clinical testing. Allele origin: germline.
Comment: Not observed at significant frequency in large population cohorts (gnomAD); In silico analysis suggests that this missense variant does not alter protein structure/function; Has not been previously published as pathogenic or benign to our knowledge

NM_014804.3(KIAA0753):c.128A>G (p.His43Arg)

Gene: KIAA0753 (KIAA0753; minus strand). Cytogenetic location: 17p13.1.
Variant type: single nucleotide variant.
Coding change: c.128A>G on transcript NM_014804.3 (MANE Select); coding-DNA position 128, A replaced by G.
Protein change: p.His43Arg; replaces histidine 43 with arginine.
Molecular consequence: missense variant. On other transcripts: 5 prime UTR variant (1), non-coding transcript variant (3).
Genome position (GRCh38, 1-based): chr17:6,628,707, T>C on the plus strand (A>G on the coding strand, the complement: KIAA0753 is on the minus strand). VCF-style: chr17-6628707-T-C. GRCh37 (hg19) VCF-style: chr17-6532027-T-C.
Other names: c.-1107A>G (NM_001351225.2); short protein forms H43R.
Identifiers: ClinVar variation 3769692 (VCV003769692.2).